The following is an entry in ClinVar:

ClinVar aggregate classification (germline): Pathogenic (1 of 4 stars; one submission).

Conditions:
Junctional epidermolysis bullosa. Identifiers: Orphanet 305, MedGen C0079301, MONDO:0017612.

Submission:

Myriad Genetics, Inc.
Classification: Pathogenic for Junctional epidermolysis bullosa. Last evaluated: 2025-01-29. Review status: criteria provided, single submitter. Criteria: Myriad Autosomal Dominant, Autosomal Recessive and X-Linked Classification Criteria (2023). Collection method: clinical testing. Allele origin: unknown.
Comment: NM_005562.2(LAMC2):c.929_930delGG(G310Afs*11) is expected to be pathogenic in the context of junctional epidermolysis bullosa, LAMC2-related. This variant is predicted to lead to an abnormal or absent protein product due to the creation of a premature termination codon in LAMC2, a gene where loss-of-function variants are known to be pathogenic. Please note: this variant was assessed in the context of healthy population screening.

NM_005562.3(LAMC2):c.929_930del (p.Gly310fs)

Gene: LAMC2 (laminin subunit gamma 2; plus strand). Cytogenetic location: 1q25.3.
Variant type: Deletion.
Coding change: c.929_930del on transcript NM_005562.3 (MANE Select); coding-DNA positions 929 to 930, 2 bases deleted (GG; older notation c.929_930delGG).
Protein change: p.Gly310fs; shifts the reading frame from glycine 310.
Molecular consequence: frameshift variant.
Genome position (GRCh38, 1-based): chr1:183,223,300-183,223,301, GG deleted; deleting any 2 consecutive bases within chr1:183,223,299-183,223,301 gives the same sequence; the c. name uses the placement nearest the transcript's 3' end. VCF-style (leftmost placement, unchanged base first): chr1-183223298-TGG-T. GRCh37 (hg19) VCF-style: chr1-183192433-TGG-T.
Other names: c.929_930del, p.Gly310fs (NM_018891.3); short protein forms G310fs.
Identifiers: ClinVar variation 5014033 (VCV005014033.1).